The following is an entry in ClinVar:

ClinVar aggregate classification (germline): Uncertain significance. Review status: criteria provided, multiple submitters, no conflicts (2 of 4 stars). 2 submissions from 2 submitters: Uncertain significance (2). Last evaluated 2025-07-02.

Conditions:
Nemaline myopathy 5 (NEM5A). Also called: Nemaline myopathy 5, Amish type; NEMALINE MYOPATHY, AMISH TYPE; NEMALINE MYOPATHY 5A, AUTOSOMAL RECESSIVE, SEVERE INFANTILE. Identifiers: Orphanet 98902, MedGen C1854380, MONDO:0011539, OMIM 605355.
Inborn genetic diseases. Identifiers: MedGen C0950123, MeSH D030342.

Allele frequency attached by ClinVar (database versions not stated): TOPMed below 0.00001; gnomAD exomes 0.00001 and 0.00002; ExAC 0.00002; gnomAD 0.00003.
gnomAD v4.1: 14 of 1,612,852 alleles (0.00087%); highest among the groups gnomAD compares: Non-Finnish European, 0.0012%; no homozygotes.

Submissions (2):

Ambry Genetics
Classification: Uncertain significance for Inborn genetic diseases. Last evaluated: 2025-07-02. Review status: criteria provided, single submitter. Criteria: Ambry Variant Classification Scheme 2023. Collection method: clinical testing. Allele origin: germline.

Labcorp Genetics (formerly Invitae), Labcorp
Classification: Uncertain significance for Nemaline myopathy 5. Last evaluated: 2024-04-17. Review status: criteria provided, single submitter. Criteria: Invitae Variant Classification Sherloc (09022015). Collection method: clinical testing. Allele origin: germline.
Comment: This sequence change replaces glutamine, which is neutral and polar, with glutamic acid, which is acidic and polar, at codon 170 of the TNNT1 protein (p.Gln170Glu). This variant is present in population databases (rs62126315, gnomAD 0.002%). This variant has not been reported in the literature in individuals affected with TNNT1-related conditions. ClinVar contains an entry for this variant (Variation ID: 580669). Advanced modeling of protein sequence and biophysical properties (such as structural, functional, and spatial information, amino acid conservation, physicochemical variation, residue mobility, and thermodynamic stability) performed at Invitae indicates that this missense variant is not expected to disrupt TNNT1 protein function with a negative predictive value of 80%. In summary, the available evidence is currently insufficient to determine the role of this variant in disease. Therefore, it has been classified as a Variant of Uncertain Significance.

NM_003283.6(TNNT1):c.508C>G (p.Gln170Glu)

Gene: TNNT1 (troponin T1, slow skeletal type; minus strand). Cytogenetic location: 19q13.42.
Variant type: single nucleotide variant.
Coding change: c.508C>G on transcript NM_003283.6 (MANE Select); coding-DNA position 508, C replaced by G.
Protein change: p.Gln170Glu; replaces glutamine 170 with glutamic acid.
Molecular consequence: missense variant.
Genome position (GRCh38, 1-based): chr19:55,137,206, G>C on the plus strand (C>G on the coding strand, the complement: TNNT1 is on the minus strand). VCF-style: chr19-55137206-G-C. GRCh37 (hg19) VCF-style: chr19-55648574-G-C.
Other names: c.508C>G, p.Gln170Glu (NM_001126132.3); c.475C>G, p.Gln159Glu (NM_001126133.3, NM_001291774.2); c.508C>G (NM_003283.4); short protein forms Q170E, Q159E.
Identifiers: ClinVar variation 580669 (VCV000580669.10), dbSNP rs62126315, ClinGen allele CA9667385.